The following is an entry in ClinVar:

ClinVar aggregate classification (germline): Uncertain significance (1 of 4 stars; one submission).

Conditions:
Cardiac arrhythmia. Also called: Cardiac rhythm disease; Arrhythmia. Identifiers: MedGen C0003811, MONDO:0007263, HP:0011675.

Allele frequency attached by ClinVar (database versions not stated): gnomAD 0.00001.
gnomAD v4.1: 3 of 1,614,038 alleles (0.00019%); highest among the groups gnomAD compares: African/African-American, 0.004%; no homozygotes.

Submission:

Labcorp Genetics (formerly Invitae), Labcorp
Classification: Uncertain significance for Cardiac arrhythmia. Last evaluated: 2023-10-08. Review status: criteria provided, single submitter. Criteria: Invitae Variant Classification Sherloc (09022015). Collection method: clinical testing. Allele origin: germline.
Comment: This sequence change replaces histidine, which is basic and polar, with glutamine, which is neutral and polar, at codon 178 of the RANGRF protein (p.His178Gln). This variant is present in population databases (no rsID available, gnomAD 0.008%). This variant has not been reported in the literature in individuals affected with RANGRF-related conditions. An algorithm developed to predict the effect of missense changes on protein structure and function (PolyPhen-2) suggests that this variant is likely to be tolerated. In summary, the available evidence is currently insufficient to determine the role of this variant in disease. Therefore, it has been classified as a Variant of Uncertain Significance.

NM_016492.5(RANGRF):c.534C>G (p.His178Gln)

Genes: RANGRF (RAN guanine nucleotide release factor; plus strand), SLC25A35 (solute carrier family 25 member 35; minus strand). Cytogenetic location: 17p13.1.
Variant type: single nucleotide variant.
Coding change: c.534C>G on transcript NM_016492.5 (MANE Select); coding-DNA position 534, C replaced by G.
Protein change: p.His178Gln; replaces histidine 178 with glutamine.
Molecular consequence: missense variant. On other transcripts: 3 prime UTR variant (3), non-coding transcript variant (2).
Genome position (GRCh38, 1-based): chr17:8,289,909, C>G. VCF-style: chr17-8289909-C-G. GRCh37 (hg19) VCF-style: chr17-8193227-C-G.
Other names: c.*317C>G (NM_001177801.2); c.*348C>G (NM_001177802.2); c.*91C>G (NM_001330127.2); c.805G>C, p.Val269Leu (NM_001320871.2, NM_001320872.2, NM_201520.3); short protein forms H178Q, V269L.
Identifiers: ClinVar variation 2996582 (VCV002996582.3), dbSNP rs746275946, ClinGen allele CA397997752.
Genomic context (GRCh38, chr17:8,289,909, plus strand): 5'-GTCACCTGCACCCTGGAGCCTGGGTGACTTTGAACAGCTGGTGACCAGTCTGACCCTTCA[C>G]GATCCTAACATCTTTGGTCCCCAGTAAAGGCGCTGAAGCACTGCATGATGTTGCTGAGAA-3'
Protein context (NP_057576.2, residues 168-186): FEQLVTSLTL[His178Gln]DPNIFGPQ